The following is an entry in ClinVar:

NM_000038.6(APC):c.5705C>G (p.Ser1902Cys)

Gene: APC (APC regulator of Wnt signaling pathway; plus strand). Cytogenetic location: 5q22.2.
Variant type: single nucleotide variant.
Coding change: c.5705C>G on transcript NM_000038.6 (MANE Select); coding-DNA position 5705, C replaced by G.
Protein change: p.Ser1902Cys; replaces serine 1902 with cysteine.
Molecular consequence: missense variant.
Genome position (GRCh38, 1-based): chr5:112,841,299, C>G. VCF-style: chr5-112841299-C-G. GRCh37 (hg19) VCF-style: chr5-112176996-C-G.
Other names: c.5705C>G (NM_000038.5); c.5705C>G, p.Ser1902Cys (NM_001127510.3, NM_001354895.2); c.5651C>G, p.Ser1884Cys (NM_001127511.3); c.5759C>G, p.Ser1920Cys (NM_001354896.2); c.5735C>G, p.Ser1912Cys (NM_001354897.2); c.5630C>G, p.Ser1877Cys (NM_001354898.2); c.5621C>G, p.Ser1874Cys (NM_001354899.2); c.5582C>G, p.Ser1861Cys (NM_001354900.2); and 6 more; short protein forms S1843C, S1861C, S1902C, S1920C, S1742C, S1801C, S1619C, S1811C.
Identifiers: ClinVar variation 1464277 (VCV001464277.7), dbSNP rs1554086917, ClinGen allele CA16033820.

ClinVar aggregate classification (germline): Uncertain significance. Review status: criteria provided, multiple submitters, no conflicts (2 of 4 stars). 2 submissions from 2 submitters: Uncertain significance (2). Last evaluated 2025-02-12.

Conditions:
Hereditary cancer-predisposing syndrome. Also called: Tumor predisposition; Hereditary neoplastic syndrome; Hereditary Cancer Syndrome; Neoplastic Syndromes, Hereditary. Identifiers: Orphanet 140162, MedGen C0027672, MeSH D009386, MONDO:0015356.
Familial adenomatous polyposis 1 (FAP1). Also called: FAMILIAL ADENOMATOUS POLYPOSIS 1, ATTENUATED; POLYPOSIS, ADENOMATOUS INTESTINAL. Identifiers: MedGen C2713442, MONDO:0021056, OMIM 175100. Disease mechanism: loss of function.

Submissions (2):

Ambry Genetics
Classification: Uncertain significance for Hereditary cancer-predisposing syndrome. Last evaluated: 2025-02-12. Review status: criteria provided, single submitter. Criteria: Ambry Variant Classification Scheme 2023. Collection method: clinical testing. Allele origin: germline.
Comment: The p.S1902C variant (also known as c.5705C>G), located in coding exon 15 of the APC gene, results from a C to G substitution at nucleotide position 5705. The serine at codon 1902 is replaced by cysteine, an amino acid with dissimilar properties. This amino acid position is conserved. In addition, in silico predictors for this gene do not accurately predict pathogenicity. Based on the available evidence, the clinical significance of this variant remains unclear.

Labcorp Genetics (formerly Invitae), Labcorp
Classification: Uncertain significance for Familial adenomatous polyposis 1. Last evaluated: 2021-11-18. Review status: criteria provided, single submitter. Criteria: Invitae Variant Classification Sherloc (09022015). Collection method: clinical testing. Allele origin: germline.
Comment: In summary, the available evidence is currently insufficient to determine the role of this variant in disease. Therefore, it has been classified as a Variant of Uncertain Significance. Algorithms developed to predict the effect of missense changes on protein structure and function are either unavailable or do not agree on the potential impact of this missense change (SIFT: "Deleterious"; PolyPhen-2: "Benign"; Align-GVGD: "Class C15"). This variant has not been reported in the literature in individuals affected with APC-related conditions. This variant is not present in population databases (gnomAD no frequency). This sequence change replaces serine, which is neutral and polar, with cysteine, which is neutral and slightly polar, at codon 1902 of the APC protein (p.Ser1902Cys).